The following is an entry in ClinVar:

NM_000092.5(COL4A4):c.4642C>T (p.Pro1548Ser)

Gene: COL4A4 (collagen type IV alpha 4 chain; minus strand). Cytogenetic location: 2q36.3.
Variant type: single nucleotide variant.
Coding change: c.4642C>T on transcript NM_000092.5 (MANE Select); coding-DNA position 4642, C replaced by T.
Protein change: p.Pro1548Ser; replaces proline 1548 with serine.
Molecular consequence: missense variant.
Genome position (GRCh38, 1-based): chr2:227,008,185, G>A on the plus strand (C>T on the coding strand, the complement: COL4A4 is on the minus strand). VCF-style: chr2-227008185-G-A. GRCh37 (hg19) VCF-style: chr2-227872901-G-A.
Other names: short protein forms P1548S.
Identifiers: ClinVar variation 1909089 (VCV001909089.5), dbSNP rs2472611533, ClinGen allele CA351140783.

ClinVar aggregate classification (germline): Uncertain significance (1 of 4 stars; one submission).

Submission:

Labcorp Genetics (formerly Invitae), Labcorp
Classification: Uncertain significance. Last evaluated: 2022-09-12. Review status: criteria provided, single submitter. Criteria: Invitae Variant Classification Sherloc (09022015). Collection method: clinical testing. Allele origin: germline.
Comment: In summary, the available evidence is currently insufficient to determine the role of this variant in disease. Therefore, it has been classified as a Variant of Uncertain Significance. Advanced modeling of protein sequence and biophysical properties (such as structural, functional, and spatial information, amino acid conservation, physicochemical variation, residue mobility, and thermodynamic stability) performed at Invitae indicates that this missense variant is not expected to disrupt COL4A4 protein function. This variant has not been reported in the literature in individuals affected with COL4A4-related conditions. This variant is not present in population databases (gnomAD no frequency). This sequence change replaces proline, which is neutral and non-polar, with serine, which is neutral and polar, at codon 1548 of the COL4A4 protein (p.Pro1548Ser).